The following is an entry in ClinVar:

ClinVar aggregate classification (germline): Uncertain significance (1 of 4 stars; one submission).

Submission:

GeneDx
Classification: Uncertain significance. Last evaluated: 2026-03-26. Review status: criteria provided, single submitter. Criteria: GeneDx Variant Classification Process June 2021. Collection method: clinical testing. Allele origin: germline.
Comment: Not observed at significant frequency in large population cohorts (gnomAD); In silico analysis suggests that this missense variant does not alter protein structure/function; Has not been previously published as pathogenic or benign to our knowledge

NM_001370466.1(NOD2):c.1892G>A (p.Ser631Asn)

Gene: NOD2 (nucleotide binding oligomerization domain containing 2; plus strand). Cytogenetic location: 16q12.1.
Variant type: single nucleotide variant.
Coding change: c.1892G>A on transcript NM_001370466.1 (MANE Select); coding-DNA position 1892, G replaced by A.
Protein change: p.Ser631Asn; replaces serine 631 with asparagine.
Molecular consequence: missense variant. On other transcripts: non-coding transcript variant (1).
Genome position (GRCh38, 1-based): chr16:50,711,884, G>A. VCF-style: chr16-50711884-G-A. GRCh37 (hg19) VCF-style: chr16-50745795-G-A.
Other names: c.1973G>A, p.Ser658Asn (NM_022162.3); c.1892G>A, p.Ser631Asn (NM_001293557.2); short protein forms S631N, S658N.
Identifiers: ClinVar variation 5017653 (VCV005017653.1).